The following is an entry in ClinVar:

GRCh38/hg38 12q24.31(chr12:121471000-122459718)x1

Genes: BCL7A (BAF chromatin remodeling complex subunit BCL7A; plus strand), B3GNT4 (UDP-GlcNAc:betaGal beta-1,3-N-acetylglucosaminyltransferase 4; plus strand), CFAP251 (cilia and flagella associated protein 251; plus strand), CLIP1 (CAP-Gly domain containing linker protein 1; minus strand), CLIP1-AS1 (CLIP1 antisense RNA 1; plus strand) and 111 more. Cytogenetic location: 12q24.31.
Variant type: copy number loss.
Change: copy number 1 (one copy instead of two) of chr12:121,471,000-122,459,718 (988.7 kb, GRCh38 coordinates, 1-based), cytogenetic band 12q24.31.
Identifiers: ClinVar variation 57611 (VCV000057611.1).

ClinVar aggregate classification (germline): Pathogenic (1 of 4 stars; one submission).

Submission:

ISCA site 17
Classification: Pathogenic. Last evaluated: 2011-08-12. Review status: criteria provided, single submitter. Criteria: Kaminsky et al. (Genet Med. 2011). Collection method: clinical testing. Allele origin: unknown. Affected: yes. Observed: 1 variant allele.
Comment: Copy number variation identified through the course of routine clinical cytogenomic testing in postnatal populations. Clinical assertions have been curated as described in Kaminsky et al. 2011.